The following is an entry in ClinVar:

ClinVar aggregate classification (germline): Uncertain significance (1 of 4 stars; one submission).

gnomAD v4.1: 5 of 1,613,876 alleles (0.00031%); highest among the groups gnomAD compares: Non-Finnish European, 0.00042%; no homozygotes.

Submission:

Labcorp Genetics (formerly Invitae), Labcorp
Classification: Uncertain significance. Last evaluated: 2023-07-08. Review status: criteria provided, single submitter. Criteria: Invitae Variant Classification Sherloc (09022015). Collection method: clinical testing. Allele origin: germline.
Comment: This sequence change replaces arginine, which is basic and polar, with tryptophan, which is neutral and slightly polar, at codon 1412 of the SETBP1 protein (p.Arg1412Trp). In summary, the available evidence is currently insufficient to determine the role of this variant in disease. Therefore, it has been classified as a Variant of Uncertain Significance. Advanced modeling of protein sequence and biophysical properties (such as structural, functional, and spatial information, amino acid conservation, physicochemical variation, residue mobility, and thermodynamic stability) performed at Invitae indicates that this missense variant is expected to disrupt SETBP1 protein function. ClinVar contains an entry for this variant (Variation ID: 2115412). This variant has not been reported in the literature in individuals affected with SETBP1-related conditions. This variant is present in population databases (rs145996171, gnomAD 0.003%).

NM_015559.3(SETBP1):c.4234C>T (p.Arg1412Trp)

Gene: SETBP1 (SET binding protein 1; plus strand). Cytogenetic location: 18q12.3.
Variant type: single nucleotide variant.
Coding change: c.4234C>T on transcript NM_015559.3 (MANE Select); coding-DNA position 4234, C replaced by T.
Protein change: p.Arg1412Trp; replaces arginine 1412 with tryptophan.
Molecular consequence: missense variant.
Genome position (GRCh38, 1-based): chr18:45,063,141, C>T. VCF-style: chr18-45063141-C-T. GRCh37 (hg19) VCF-style: chr18-42643106-C-T.
Other names: c.4234C>T, p.Arg1412Trp (NM_001379141.1, NM_001379142.1); c.4063C>T, p.Arg1355Trp (NM_001410862.1); short protein forms R1412W, R1355W.
Identifiers: ClinVar variation 2115412 (VCV002115412.4), dbSNP rs145996171, ClinGen allele CA8946127.